The following is an entry in ClinVar:

NM_198525.3(KIF7):c.3664+5C>G

Genes: KIF7 (kinesin family member 7; minus strand), LOC126862216 (BRD4-independent group 4 enhancer GRCh37_chr15:90171995-90173194; plus strand). Cytogenetic location: 15q26.1.
Variant type: single nucleotide variant.
Coding change: c.3664+5C>G on transcript NM_198525.3 (MANE Select); 5 bases into the intron after coding-DNA position 3664, C replaced by G.
Molecular consequence: intron variant.
Genome position (GRCh38, 1-based): chr15:89,628,971, G>C on the plus strand (C>G on the coding strand, the complement: KIF7 is on the minus strand). VCF-style: chr15-89628971-G-C. GRCh37 (hg19) VCF-style: chr15-90172202-G-C.
Identifiers: ClinVar variation 1951581 (VCV001951581.5), dbSNP rs982736129, ClinGen allele CA2580090204.

ClinVar aggregate classification (germline): Uncertain significance (1 of 4 stars; one submission).

Conditions:
Acrocallosal syndrome (ACLS). Also called: Schinzel syndrome 1; Absence of corpus callosum with unusual facial appearance, mental deficiency, duplication of the halluces and polydactyly; HALLUX DUPLICATION, POSTAXIAL POLYDACTYLY, AND ABSENCE OF CORPUS CALLOSUM. Identifiers: Orphanet 36, MedGen C0796147, MONDO:0008708, OMIM 200990.

Submission:

Labcorp Genetics (formerly Invitae), Labcorp
Classification: Uncertain significance for Acrocallosal syndrome. Last evaluated: 2022-03-15. Review status: criteria provided, single submitter. Criteria: Invitae Variant Classification Sherloc (09022015). Collection method: clinical testing. Allele origin: germline.
Comment: In summary, the available evidence is currently insufficient to determine the role of this variant in disease. Therefore, it has been classified as a Variant of Uncertain Significance. Variants that disrupt the consensus splice site are a relatively common cause of aberrant splicing (PMID: 17576681, 9536098). Algorithms developed to predict the effect of sequence changes on RNA splicing suggest that this variant may disrupt the consensus splice site. This variant has not been reported in the literature in individuals affected with KIF7-related conditions. This variant is not present in population databases (gnomAD no frequency). This sequence change falls in intron 18 of the KIF7 gene. It does not directly change the encoded amino acid sequence of the KIF7 protein. It affects a nucleotide within the consensus splice site.

Literature cited by the submitters: PubMed 17576681; PubMed 9536098.